The following is an entry in ClinVar:

NM_001351132.2(PEX5):c.556G>T (p.Asp186Tyr)

Gene: PEX5 (peroxisomal biogenesis factor 5; plus strand). Cytogenetic location: 12p13.31.
Variant type: single nucleotide variant.
Coding change: c.556G>T on transcript NM_001351132.2 (MANE Select); coding-DNA position 556, G replaced by T.
Protein change: p.Asp186Tyr; replaces aspartic acid 186 with tyrosine.
Molecular consequence: missense variant.
Genome position (GRCh38, 1-based): chr12:7,201,755, G>T. VCF-style: chr12-7201755-G-T. GRCh37 (hg19) VCF-style: chr12-7354351-G-T.
Other names: c.556G>T, p.Asp186Tyr (NM_000319.5, NM_001131024.2, NM_001131025.2 and 19 more transcripts); c.601G>T, p.Asp201Tyr (NM_001131023.2, NM_001351135.3, NM_001351138.2); short protein forms D186Y, D201Y.
Identifiers: ClinVar variation 2128251 (VCV002128251.1), dbSNP rs2540126048, ClinGen allele CA383721131.
Genomic context (GRCh38, chr12:7,201,755, plus strand): 5'-AGCATGGGGAGGGTGATGGCAGACTAATGTGTAAAATTAGTTCTTACCCGTTCCAGGTAT[G>T]ATGAATATCATCCTGAGGAGGATCTGCAGCACACGGCCAGTGACTTTGTGGCCAAAGTGG-3'
Protein context (NP_001338061.1, residues 176-196): PEGTATDRWY[Asp186Tyr]EYHPEEDLQH

ClinVar aggregate classification (germline): Uncertain significance (1 of 4 stars; one submission).

Conditions:
Peroxisome biogenesis disorder 2B (PBD2B). Identifiers: Orphanet 44, MedGen C3550234, MONDO:0008736, OMIM 202370.

Submission:

Labcorp Genetics (formerly Invitae), Labcorp
Classification: Uncertain significance for Peroxisome biogenesis disorder 2B. Last evaluated: 2022-05-06. Review status: criteria provided, single submitter. Criteria: Invitae Variant Classification Sherloc (09022015). Collection method: clinical testing. Allele origin: germline.
Comment: This sequence change replaces aspartic acid, which is acidic and polar, with tyrosine, which is neutral and polar, at codon 186 of the PEX5 protein (p.Asp186Tyr). This variant is not present in population databases (gnomAD no frequency). This variant has not been reported in the literature in individuals affected with PEX5-related conditions. Algorithms developed to predict the effect of missense changes on protein structure and function are either unavailable or do not agree on the potential impact of this missense change (SIFT: "Deleterious"; PolyPhen-2: "Benign"; Align-GVGD: "Class C0"). In summary, the available evidence is currently insufficient to determine the role of this variant in disease. Therefore, it has been classified as a Variant of Uncertain Significance.